The following is an entry in ClinVar:

NM_030962.4(SBF2):c.613C>T (p.Gln205Ter)

Gene: SBF2 (SET binding factor 2; minus strand). Cytogenetic location: 11p15.4.
Variant type: single nucleotide variant.
Coding change: c.613C>T on transcript NM_030962.4 (MANE Select); coding-DNA position 613, C replaced by T.
Protein change: p.Gln205Ter; replaces glutamine 205 with a stop codon.
Molecular consequence: nonsense.
Genome position (GRCh38, 1-based): chr11:10,028,458, G>A on the plus strand (C>T on the coding strand, the complement: SBF2 is on the minus strand). VCF-style: chr11-10028458-G-A. GRCh37 (hg19) VCF-style: chr11-10050005-G-A.
Other names: c.613C>T, p.Gln205Ter (NM_001386339.1, NM_001386342.1); short protein forms Q205*.
Identifiers: ClinVar variation 2033308 (VCV002033308.4), dbSNP rs2496366381, ClinGen allele CA379645819.
Genomic context (GRCh38, chr11:10,028,458, plus strand): 5'-CCTTTAATCATAGGCTTCTACAAGATGACATTGAAAATGGGAGAAAAGACATACCCAATT[G>A]CTGGAACAGGAGAGCCACACTAGTGCCCGTGATAGGAAGACTATCATGTAAAGGAGTCTG-3'

ClinVar aggregate classification (germline): Pathogenic (1 of 4 stars; one submission).

Conditions:
Charcot-Marie-Tooth disease type 4. Also called: Charcot-Marie-Tooth disease, type IV; Charcot-Marie-Tooth, Type 4. Identifiers: Orphanet 64749, MedGen C4082197, MONDO:0018995.

Submission:

Labcorp Genetics (formerly Invitae), Labcorp
Classification: Pathogenic for Charcot-Marie-Tooth disease type 4. Last evaluated: 2022-09-29. Review status: criteria provided, single submitter. Criteria: Invitae Variant Classification Sherloc (09022015). Collection method: clinical testing. Allele origin: germline.
Comment: For these reasons, this variant has been classified as Pathogenic. This variant has not been reported in the literature in individuals affected with SBF2-related conditions. This variant is not present in population databases (gnomAD no frequency). This sequence change creates a premature translational stop signal (p.Gln205*) in the SBF2 gene. It is expected to result in an absent or disrupted protein product. Loss-of-function variants in SBF2 are known to be pathogenic (PMID: 12687498, 25873783).

Literature cited by the submitters: PubMed 12687498; PubMed 25873783.